The following is an entry in ClinVar:

ClinVar aggregate classification (germline): Likely benign. Review status: criteria provided, single submitter (1 of 4 stars). 3 submissions from 3 submitters: Likely benign (1). 2 of the submissions do not count toward it. Last evaluated 2026-01-19.

Conditions:
NPHS2-related disorder. Also called: NPHS2-related condition.
Steroid-resistant nephrotic syndrome. Identifiers: MedGen C0403397, MONDO:0044765, HP:0012588.

Allele frequency attached by ClinVar (database versions not stated): gnomAD exomes 0.00001 and 0.00003; ExAC 0.00002; gnomAD 0.00005; TOPMed 0.00006.

Submissions (3):

Labcorp Genetics (formerly Invitae), Labcorp
Classification: Likely benign. Last evaluated: 2026-01-19. Review status: criteria provided, single submitter. Criteria: Invitae Variant Classification Sherloc (09022015). Collection method: clinical testing. Allele origin: germline.

Natera, Inc.
Classification: Uncertain significance for Steroid-resistant nephrotic syndrome. Last evaluated: 2020-04-24. Review status: no assertion criteria provided. Collection method: clinical testing. Allele origin: germline. Not counted in ClinVar's aggregate classification.

PreventionGenetics, part of Exact Sciences
Classification: Likely benign for NPHS2-related condition. Last evaluated: 2019-12-04. Review status: no assertion criteria provided. Collection method: clinical testing. Allele origin: germline. Not counted in ClinVar's aggregate classification.
Comment: This variant is classified as likely benign based on ACMG/AMP sequence variant interpretation guidelines (Richards et al. 2015 PMID: 25741868, with internal and published modifications).

NM_014625.4(NPHS2):c.874-11_874-10del

Genes: AXDND1 (axonemal dynein light chain domain containing 1; plus strand), NPHS2 (NPHS2 stomatin family member, podocin; minus strand). Cytogenetic location: 1q25.2.
Variant type: Deletion.
Coding change: c.874-11_874-10del on transcript NM_014625.4 (MANE Select); 11 bases into the intron before coding-DNA position 874 through 10 bases into the intron before coding-DNA position 874, 2 bases deleted (AT; older notation c.874-11_874-10delAT).
Molecular consequence: intron variant.
Genome position (GRCh38, 1-based): chr1:179,551,461-179,551,462, AT deleted on the plus strand (AT on the coding strand, the reverse complement: NPHS2 is on the minus strand). VCF-style (leftmost placement, unchanged base first): chr1-179551460-CAT-C. GRCh37 (hg19) VCF-style: chr1-179520595-CAT-C.
Other names: c.874-11_874-10delAT (NM_014625.4); c.3032-3051_3032-3050del (NM_144696.6); c.670-11_670-10del (NM_001297575.2).
Identifiers: ClinVar variation 293846 (VCV000293846.15), dbSNP rs774075788, ClinGen allele CA1267073.